The following is an entry in ClinVar:

NM_000751.3(CHRND):c.1236G>T (p.Arg412Ser)

Gene: CHRND (cholinergic receptor nicotinic delta subunit; plus strand). Cytogenetic location: 2q37.1.
Variant type: single nucleotide variant.
Coding change: c.1236G>T on transcript NM_000751.3 (MANE Select); coding-DNA position 1236, G replaced by T.
Protein change: p.Arg412Ser; replaces arginine 412 with serine.
Molecular consequence: missense variant.
Genome position (GRCh38, 1-based): chr2:232,534,119, G>T. VCF-style: chr2-232534119-G-T. GRCh37 (hg19) VCF-style: chr2-233398829-G-T.
Other names: c.1191G>T, p.Arg397Ser (NM_001256657.2); c.654G>T, p.Arg218Ser (NM_001311195.2); c.933G>T, p.Arg311Ser (NM_001311196.2); short protein forms R218S, R311S, R397S, R412S.
Identifiers: ClinVar variation 1304198 (VCV001304198.5), dbSNP rs1691806503, ClinGen allele CA351005314.

ClinVar aggregate classification (germline): Uncertain significance. Review status: criteria provided, multiple submitters, no conflicts (2 of 4 stars). 3 submissions from 3 submitters: Uncertain significance (3). Last evaluated 2026-02-24.

Allele frequency attached by ClinVar (database versions not stated): TOPMed below 0.00001.
gnomAD v4.1: 1 of 1,614,084 alleles (0.000062%); no homozygotes.

Submissions (3):

Women's Health and Genetics/Laboratory Corporation of America, LabCorp
Classification: Uncertain significance. Last evaluated: 2026-02-24. Review status: criteria provided, single submitter. Criteria: LabCorp Variant Classification Summary - May 2015. Collection method: clinical testing. Allele origin: germline.
Comment: Variant summary: CHRND c.1236G>T (p.Arg412Ser) results in a non-conservative amino acid change in the encoded protein sequence. Algorithms developed to predict the effect of missense changes on protein structure and function are either unavailable or do not agree on the potential impact of this missense change. The variant was absent in 251256 control chromosomes. The available data on variant occurrences in the general population are insufficient to allow any conclusion about variant significance. To our knowledge, no occurrence of c.1236G>T in individuals affected with CHRND-related conditions and no experimental evidence demonstrating its impact on protein function have been reported. ClinVar contains an entry for this variant (Variation ID: 1304198). Based on the evidence outlined above, the variant was classified as uncertain significance.

Revvity Omics, Revvity
Classification: Uncertain significance. Last evaluated: 2023-04-27. Review status: criteria provided, single submitter. Criteria: ACMG Guidelines, 2015. Collection method: clinical testing. Allele origin: germline.

GeneDx
Classification: Uncertain significance. Last evaluated: 2020-01-30. Review status: criteria provided, single submitter. Criteria: GeneDx Variant Classification Process June 2021. Collection method: clinical testing. Allele origin: germline. Affected: yes.
Comment: Not observed in large population cohorts (Lek et al., 2016); In silico analysis supports that this missense variant does not alter protein structure/function; Has not been previously published as pathogenic or benign to our knowledge